The following is an entry in ClinVar:

NM_001042413.2(GLIS3):c.1124C>T (p.Ala375Val)

Gene: GLIS3 (GLIS family zinc finger 3; minus strand). Cytogenetic location: 9p24.2.
Variant type: single nucleotide variant.
Coding change: c.1124C>T on transcript NM_001042413.2 (MANE Select); coding-DNA position 1124, C replaced by T.
Protein change: p.Ala375Val; replaces alanine 375 with valine.
Molecular consequence: missense variant.
Genome position (GRCh38, 1-based): chr9:4,118,354, G>A on the plus strand (C>T on the coding strand, the complement: GLIS3 is on the minus strand). VCF-style: chr9-4118354-G-A. GRCh37 (hg19) VCF-style: chr9-4118354-G-A.
Other names: c.1124C>T, p.Ala375Val (NM_001438906.1, NM_001438907.1, NM_001438908.1 and 2 more transcripts); c.659C>T, p.Ala220Val (NM_001438909.1, NM_001438915.1, NM_152629.4); c.458C>T, p.Ala153Val (NM_001438911.1, NM_001438912.1, NM_001438916.1); short protein forms A153V, A220V, A375V.
Identifiers: ClinVar variation 4690094 (VCV004690094.1).

ClinVar aggregate classification (germline): Uncertain significance (1 of 4 stars; one submission).

gnomAD v4.1: 6 of 1,584,330 alleles (0.00038%); highest among the groups gnomAD compares: South Asian, 0.0034%; no homozygotes.

Submission:

GeneDx
Classification: Uncertain significance. Last evaluated: 2025-07-30. Review status: criteria provided, single submitter. Criteria: GeneDx Variant Classification Process June 2021. Collection method: clinical testing. Allele origin: germline. Affected: yes.
Comment: Not observed at significant frequency in large population cohorts (gnomAD); In silico analysis suggests that this missense variant does not alter protein structure/function; Has not been previously published as pathogenic or benign to our knowledge